The following is an entry in ClinVar:

NC_000019.9:g.(?_5678562)_(5897028_?)dup

Genes: CATSPERD (cation channel sperm associated auxiliary subunit delta; plus strand), DUS3L (dihydrouridine synthase 3 like; minus strand), FUT3 (fucosyltransferase 3 (Lewis blood group); minus strand), FUT5 (fucosyltransferase 5; minus strand), FUT6 (fucosyltransferase 6; minus strand) and 7 more. Cytogenetic location: 19p13.3.
Variant type: Duplication.
Identifiers: ClinVar variation 1411282 (VCV001411282.5).

ClinVar aggregate classification (germline): Uncertain significance (1 of 4 stars; one submission).

Submission:

Labcorp Genetics (formerly Invitae), Labcorp
Classification: Uncertain significance. Last evaluated: 2022-06-20. Review status: criteria provided, single submitter. Criteria: Invitae Variant Classification Sherloc (09022015). Collection method: clinical testing. Allele origin: germline.
Comment: In summary, the available evidence is currently insufficient to determine the role of this variant in disease. Therefore, it has been classified as a Variant of Uncertain Significance. This variant has not been reported in the literature in individuals affected with LONP1-related conditions. A copy number gain of the genomic region encompassing the full coding sequence of the LONP1 gene has been identified. The boundaries of this event are unknown as they extend beyond the assayed region for this gene and therefore may encompass additional genes. As the precise location of this event is unknown, it may be in tandem or it may be located elsewhere in the genome.